The following is an entry in ClinVar:

ClinVar aggregate classification (germline): Uncertain significance (1 of 4 stars; one submission).

Conditions:
Ullrich congenital muscular dystrophy 2 (UCMD2). Identifiers: Orphanet 75840, MedGen C4225314, MONDO:0014654, OMIM 616470.
Bethlem myopathy 2 (BTHLM2). Identifiers: Orphanet 536516, Orphanet 610, MedGen C4225313, MONDO:0034022, OMIM 616471.

gnomAD v4.1: 1 of 1,607,630 alleles (0.000062%); no homozygotes.

Submission:

Labcorp Genetics (formerly Invitae), Labcorp
Classification: Uncertain significance for Bethlem myopathy 2; Ullrich congenital muscular dystrophy 2. Last evaluated: 2020-10-13. Review status: criteria provided, single submitter. Criteria: Invitae Variant Classification Sherloc (09022015). Collection method: clinical testing. Allele origin: germline.
Comment: In summary, the available evidence is currently insufficient to determine the role of this variant in disease. Therefore, it has been classified as a Variant of Uncertain Significance. Algorithms developed to predict the effect of missense changes on protein structure and function are either unavailable or do not agree on the potential impact of this missense change (SIFT: "Deleterious"; PolyPhen-2: "Probably Damaging"; Align-GVGD: "Class C0"). This variant has not been reported in the literature in individuals with COL12A1-related conditions. This variant is not present in population databases (ExAC no frequency). This sequence change replaces proline with arginine at codon 2306 of the COL12A1 protein (p.Pro2306Arg). The proline residue is highly conserved and there is a moderate physicochemical difference between proline and arginine.

NM_004370.6(COL12A1):c.6917C>G (p.Pro2306Arg)

Gene: COL12A1 (collagen type XII alpha 1 chain; minus strand). Cytogenetic location: 6q13.
Variant type: single nucleotide variant.
Coding change: c.6917C>G on transcript NM_004370.6 (MANE Select); coding-DNA position 6917, C replaced by G.
Protein change: p.Pro2306Arg; replaces proline 2306 with arginine.
Molecular consequence: missense variant.
Genome position (GRCh38, 1-based): chr6:75,123,359, G>C on the plus strand (C>G on the coding strand, the complement: COL12A1 is on the minus strand). VCF-style: chr6-75123359-G-C. GRCh37 (hg19) VCF-style: chr6-75833075-G-C.
Other names: c.3425C>G, p.Pro1142Arg (NM_080645.3); short protein forms P1142R, P2306R.
Identifiers: ClinVar variation 1063440 (VCV001063440.9), dbSNP rs1302398240, ClinGen allele CA364728079.